The following is an entry in ClinVar:

ClinVar aggregate classification (germline): Uncertain significance. Review status: criteria provided, multiple submitters, no conflicts (2 of 4 stars). 2 submissions from 2 submitters: Uncertain significance (2). Last evaluated 2024-04-12.

Allele frequency attached by ClinVar (database versions not stated): ExAC 0.00004; TOPMed 0.00006; gnomAD 0.00004; gnomAD exomes 0.00003.
gnomAD v4.1: 46 of 1,614,086 alleles (0.0028%); highest among the groups gnomAD compares: East Asian, 0.031%; no homozygotes.

Submissions (2):

Ambry Genetics
Classification: Uncertain significance. Last evaluated: 2024-04-12. Review status: criteria provided, single submitter. Criteria: Ambry Variant Classification Scheme 2023. Collection method: clinical testing. Allele origin: germline.

Labcorp Genetics (formerly Invitae), Labcorp
Classification: Uncertain significance. Last evaluated: 2022-06-02. Review status: criteria provided, single submitter. Criteria: Invitae Variant Classification Sherloc (09022015). Collection method: clinical testing. Allele origin: germline.
Comment: This sequence change replaces arginine, which is basic and polar, with histidine, which is basic and polar, at codon 955 of the ADCY10 protein (p.Arg955His). In summary, the available evidence is currently insufficient to determine the role of this variant in disease. Therefore, it has been classified as a Variant of Uncertain Significance. Algorithms developed to predict the effect of missense changes on protein structure and function output the following: SIFT: "Deleterious"; PolyPhen-2: "Benign"; Align-GVGD: "Class C0". The histidine amino acid residue is found in multiple mammalian species, which suggests that this missense change does not adversely affect protein function. This variant has not been reported in the literature in individuals affected with ADCY10-related conditions. This variant is present in population databases (rs753919911, gnomAD 0.02%).

NM_018417.6(ADCY10):c.2864G>A (p.Arg955His)

Gene: ADCY10 (adenylate cyclase 10; minus strand). Cytogenetic location: 1q24.2.
Variant type: single nucleotide variant.
Coding change: c.2864G>A on transcript NM_018417.6 (MANE Select); coding-DNA position 2864, G replaced by A.
Protein change: p.Arg955His; replaces arginine 955 with histidine.
Molecular consequence: missense variant.
Genome position (GRCh38, 1-based): chr1:167,845,706, C>T on the plus strand (G>A on the coding strand, the complement: ADCY10 is on the minus strand). VCF-style: chr1-167845706-C-T. GRCh37 (hg19) VCF-style: chr1-167814944-C-T.
Other names: c.2405G>A, p.Arg802His (NM_001167749.3); c.2588G>A, p.Arg863His (NM_001297772.2); short protein forms R802H, R863H, R955H.
Identifiers: ClinVar variation 2045549 (VCV002045549.5), dbSNP rs753919911, ClinGen allele CA1227543.